The following is an entry in ClinVar:

ClinVar aggregate classification (germline): Benign (1 of 4 stars; one submission).

Conditions:
Deficiency of 2-methylbutyryl-CoA dehydrogenase (ACADSB). Also called: 2-methylbutyryl-CoA dehydrogenase deficiency; SBCAD deficiency; 2-methylbutyric aciduria; Short branched-chain acyl-CoA dehydrogenase deficiency; 2-methylbutyrylglycinuria. Identifiers: Orphanet 79157, MedGen C1864912, MONDO:0012392, OMIM 610006, HP:0020147.

Allele frequency attached by ClinVar (database versions not stated): 1000 Genomes Project 0.02017; 1000 Genomes Project 30x 0.02139; TOPMed 0.02425.

Submission:

Illumina Laboratory Services, Illumina
Classification: Benign for Deficiency of 2-methylbutyryl-CoA dehydrogenase. Last evaluated: 2018-01-13. Review status: criteria provided, single submitter. Criteria: ICSL Variant Classification Criteria 13 December 2019. Collection method: clinical testing. Allele origin: germline.
Comment: This variant was observed in the ICSL laboratory as part of a predisposition screen in an ostensibly healthy population. It had not been previously curated by ICSL or reported in the Human Gene Mutation Database (HGMD: prior to June 1st, 2018), and was therefore a candidate for classification through an automated scoring system. Utilizing variant allele frequency, disease prevalence and penetrance estimates, and inheritance mode, an automated score was calculated to assess if this variant is too frequent to cause the disease. Based on the score and internal cut-off values, a variant classified as benign is not then subjected to further curation. The score for this variant resulted in a classification of benign for this disease.

NM_001609.4(ACADSB):c.*2957T>A

Gene: ACADSB (acyl-CoA dehydrogenase short/branched chain; plus strand). Cytogenetic location: 10q26.13.
Variant type: single nucleotide variant.
Coding change: c.*2957T>A on transcript NM_001609.4 (MANE Select); 2957 bases downstream of the stop codon, T replaced by A.
Molecular consequence: 3 prime UTR variant.
Genome position (GRCh38, 1-based): chr10:123,056,722, T>A. VCF-style: chr10-123056722-T-A. GRCh37 (hg19) VCF-style: chr10-124816238-T-A.
Other names: c.*2957T>A (NM_001330174.3).
Identifiers: ClinVar variation 299141 (VCV000299141.5), dbSNP rs115456304, ClinGen allele CA10631154.